The following is an entry in ClinVar:

ClinVar aggregate classification (germline): Likely pathogenic (1 of 4 stars; one submission).

Submission:

Mayo Clinic Laboratories, Mayo Clinic
Classification: Likely pathogenic. Last evaluated: 2024-01-31. Review status: criteria provided, single submitter. Criteria: ACMG Guidelines, 2015. Collection method: clinical testing. Allele origin: germline. Observed: 1 variant allele.
Comment: PM2, PVS1

Literature cited by the submitters: PubMed 12525170; PubMed 27908349; PubMed 32112656.

NM_001458.5(FLNC):c.3860_3863del (p.His1287fs)

Gene: FLNC (filamin C; plus strand). Cytogenetic location: 7q32.1.
Variant type: Deletion.
Coding change: c.3860_3863del on transcript NM_001458.5 (MANE Select); coding-DNA positions 3860 to 3863, 4 bases deleted (ACGT; older notation c.3860_3863delACGT).
Protein change: p.His1287fs; shifts the reading frame from histidine 1287.
Molecular consequence: frameshift variant.
Genome position (GRCh38, 1-based): chr7:128,846,059-128,846,062, ACGT deleted. VCF-style (leftmost placement, unchanged base first): chr7-128846058-CACGT-C. GRCh37 (hg19) VCF-style: chr7-128486112-CACGT-C.
Other names: p.His1287Argfs*17; c.3860_3863del, p.His1287fs (NM_001127487.2); c.3860_3863delACGT, p.His1287Argfs (NM_001458.4); short protein forms H1287fs.
Identifiers: ClinVar variation 3381028 (VCV003381028.1).